The following is an entry in ClinVar:

ClinVar aggregate classification (germline): Uncertain significance (0 of 4 stars; one submission).

Conditions:
NR0B2-related disorder. Also called: NR0B2-related condition.

gnomAD v4.1: 4 of 1,500,026 alleles (0.00027%); highest among the groups gnomAD compares: African/African-American, 0.0042%; no homozygotes.

Submission:

PreventionGenetics, part of Exact Sciences
Classification: Uncertain significance for NR0B2-related condition. Last evaluated: 2024-05-10. Review status: no assertion criteria provided. Collection method: clinical testing. Allele origin: germline.
Comment: The NR0B2 c.70C>T variant is predicted to result in the amino acid substitution p.Leu24Phe. To our knowledge, this variant has not been reported in the literature. This variant is reported in 0.0070% of alleles in individuals of South Asian descent in gnomAD. At this time, the clinical significance of this variant is uncertain due to the absence of conclusive functional and genetic evidence.

NM_021969.3(NR0B2):c.70C>T (p.Leu24Phe)

Genes: NR0B2 (nuclear receptor subfamily 0 group B member 2; minus strand), NUDC (nuclear distribution C, dynein complex regulator; plus strand). Cytogenetic location: 1p36.11.
Variant type: single nucleotide variant.
Coding change: c.70C>T on transcript NM_021969.3 (MANE Select); coding-DNA position 70, C replaced by T.
Protein change: p.Leu24Phe; replaces leucine 24 with phenylalanine.
Molecular consequence: missense variant.
Genome position (GRCh38, 1-based): chr1:26,913,871, G>A on the plus strand (C>T on the coding strand, the complement: NR0B2 is on the minus strand). VCF-style: chr1-26913871-G-A. GRCh37 (hg19) VCF-style: chr1-27240362-G-A.
Other names: short protein forms L24F.
Identifiers: ClinVar variation 3347024 (VCV003347024.1).
Genomic context (GRCh38, chr1:26,913,871, plus strand): 5'-GCTGCCTACATAGGCAGCGGCTACGGGGTCGGGGGACAGCCTTGAGGCTGGAGCTCAGAA[G>A]TGCGTAGAGAATGGCGGGGCGGCTTGCAGCTCCCTGGCATGGGCAGGCCCCTGGTTGGCT-3'
Protein context (NP_068804.1, residues 14-34): AASRPAILYA[Leu24Phe]LSSSLKAVPR